The following is an entry in ClinVar:

NM_000535.7(PMS2):c.*3G>C

Gene: PMS2 (PMS1 homolog 2, mismatch repair system component; minus strand). Cytogenetic location: 7p22.1.
Variant type: single nucleotide variant.
Coding change: c.*3G>C on transcript NM_000535.7 (MANE Select); 3 bases downstream of the stop codon, G replaced by C.
Molecular consequence: 3 prime UTR variant. On other transcripts: non-coding transcript variant (1).
Genome position (GRCh38, 1-based): chr7:5,973,396, C>G on the plus strand (G>C on the coding strand, the complement: PMS2 is on the minus strand). VCF-style: chr7-5973396-C-G. GRCh37 (hg19) VCF-style: chr7-6013027-C-G.
Other names: c.*3G>C (NM_001322003.2, NM_001322004.2, NM_001322005.2 and 10 more transcripts).
Identifiers: ClinVar variation 480346 (VCV000480346.5), dbSNP rs776493195, ClinGen allele CA658655958.

ClinVar aggregate classification (germline): Uncertain significance (1 of 4 stars; one submission).

Conditions:
Hereditary cancer-predisposing syndrome. Also called: Hereditary Cancer Syndrome; Neoplastic Syndromes, Hereditary; Tumor predisposition; Hereditary neoplastic syndrome. Identifiers: Orphanet 140162, MedGen C0027672, MeSH D009386, MONDO:0015356.

Submission:

Ambry Genetics
Classification: Uncertain significance for Hereditary cancer-predisposing syndrome. Last evaluated: 2016-08-31. Review status: criteria provided, single submitter. Criteria: Ambry Variant Classification Scheme 2023. Collection method: clinical testing. Allele origin: germline.
Comment: The c.*3G>C variant is located in the 3' untranslated region (3&rsquo; UTR) of the PMS2 gene. This variant results from a G to C substitution 3 nucleotides downstream of the last translated codon. This variant was not reported in population based cohorts in the following databases: Database of Single Nucleotide Polymorphisms (dbSNP), NHLBI Exome Sequencing Project (ESP), and 1000 Genomes Project, however this position was not covered in the ESP. To date, this alteration has been detected with an allele frequency of approximately 0.001% (greater than 150000 alleles tested) in our clinical cohort. This nucleotide position is poorly conserved in available vertebrate species. Since supporting evidence is limited at this time, the clinical significance of this alteration remains unclear.